The following is an entry in ClinVar:

NM_001457.4(FLNB):c.5630C>T (p.Thr1877Ile)

Gene: FLNB (filamin B; plus strand). Cytogenetic location: 3p14.3.
Variant type: single nucleotide variant.
Coding change: c.5630C>T on transcript NM_001457.4 (MANE Select); coding-DNA position 5630, C replaced by T.
Protein change: p.Thr1877Ile; replaces threonine 1877 with isoleucine.
Molecular consequence: missense variant.
Genome position (GRCh38, 1-based): chr3:58,146,895, C>T. VCF-style: chr3-58146895-C-T. GRCh37 (hg19) VCF-style: chr3-58132622-C-T.
Other names: c.5723C>T, p.Thr1908Ile (NM_001164317.2); c.5597C>T, p.Thr1866Ile (NM_001164318.2); c.5558C>T, p.Thr1853Ile (NM_001164319.2); short protein forms T1853I, T1866I, T1877I, T1908I.
Identifiers: ClinVar variation 3711610 (VCV003711610.2).
Genomic context (GRCh38, chr3:58,146,895, plus strand): 5'-CTATTGAGGGCCCCTCAAAAGCAGAAATCAGCTGCATTGACAATAAAGATGGGACATGCA[C>T]AGTGACCTACCTGCCGACTCTGCCAGGCGACTACAGCATTCTGGTCAAGTACAATGACAA-3'
Protein context (NP_001448.2, residues 1867-1887): SCIDNKDGTC[Thr1877Ile]VTYLPTLPGD

ClinVar aggregate classification (germline): Uncertain significance (1 of 4 stars; one submission).

Submission:

Labcorp Genetics (formerly Invitae), Labcorp
Classification: Uncertain significance. Last evaluated: 2024-09-01. Review status: criteria provided, single submitter. Criteria: Invitae Variant Classification Sherloc (09022015). Collection method: clinical testing. Allele origin: germline.
Comment: This sequence change replaces threonine, which is neutral and polar, with isoleucine, which is neutral and non-polar, at codon 1877 of the FLNB protein (p.Thr1877Ile). This variant is not present in population databases (gnomAD no frequency). This variant has not been reported in the literature in individuals affected with FLNB-related conditions. Invitae Evidence Modeling of protein sequence and biophysical properties (such as structural, functional, and spatial information, amino acid conservation, physicochemical variation, residue mobility, and thermodynamic stability) indicates that this missense variant is not expected to disrupt FLNB protein function with a negative predictive value of 95%. In summary, the available evidence is currently insufficient to determine the role of this variant in disease. Therefore, it has been classified as a Variant of Uncertain Significance.